The following is an entry in ClinVar:

NM_001170629.1:c.5419_5420insAlu

Gene: CHD8 (chromodomain helicase DNA binding protein 8; minus strand). Cytogenetic location: 14q11.2.
Variant type: Insertion.
Identifiers: ClinVar variation 800655 (VCV000800655.1).

ClinVar aggregate classification (germline): Likely pathogenic (1 of 4 stars; one submission).

Submission:

GeneDx
Classification: Likely pathogenic. Last evaluated: 2018-02-26. Review status: criteria provided, single submitter. Criteria: GeneDx Variant Classification (06012015). Collection method: clinical testing. Allele origin: germline. Affected: yes.
Comment: The c.5419_5420insAlu variant has not been published as a pathogenic variant, nor has it been reported as a benign variant to our knowledge. This variant is the result of an Alu mobile insertion element interrupting coding sequence in exon 30 and is predicted to cause loss of normal protein function. Mobile insertion elements, including retrotransposon-mediated events such as Alu inserts, are estimated to account for 1 in 600 disease causing variants (Kazazian et al., 1999). Therefore, this variant is likely pathogenic; however, the possibility that it is benign cannot be excluded.